The following is an entry in ClinVar:

ClinVar aggregate classification (germline): Conflicting classifications of pathogenicity. Review status: criteria provided, conflicting classifications (1 of 4 stars). 2 submissions from 2 submitters: Uncertain significance (1); Likely benign (1). Last evaluated 2025-09-15.

Conditions:
Joubert syndrome 15 (JBTS15). Identifiers: Orphanet 475, MedGen C3280897, MONDO:0013763, OMIM 614464.
Inborn genetic diseases. Identifiers: MedGen C0950123, MeSH D030342.

Allele frequency attached by ClinVar (database versions not stated): TOPMed 0.00002; 1000 Genomes Project 30x 0.00016; 1000 Genomes Project 0.00020.
gnomAD v4.1: 107 of 1,614,186 alleles (0.0066%); highest among the groups gnomAD compares: Non-Finnish European, 0.0088%; no homozygotes.

Submissions (2):

Labcorp Genetics (formerly Invitae), Labcorp
Classification: Uncertain significance for Joubert syndrome 15. Last evaluated: 2025-09-15. Review status: criteria provided, single submitter. Criteria: Invitae Variant Classification Sherloc (09022015). Collection method: clinical testing. Allele origin: germline.
Comment: This sequence change replaces alanine, which is neutral and non-polar, with serine, which is neutral and polar, at codon 345 of the CEP41 protein (p.Ala345Ser). This variant is present in population databases (rs184146463, gnomAD 0.005%). This variant has not been reported in the literature in individuals affected with CEP41-related conditions. ClinVar contains an entry for this variant (Variation ID: 950540). Invitae Evidence Modeling of protein sequence and biophysical properties (such as structural, functional, and spatial information, amino acid conservation, physicochemical variation, residue mobility, and thermodynamic stability) indicates that this missense variant is not expected to disrupt CEP41 protein function with a negative predictive value of 80%. In summary, the available evidence is currently insufficient to determine the role of this variant in disease. Therefore, it has been classified as a Variant of Uncertain Significance.

Ambry Genetics
Classification: Likely benign for Inborn genetic diseases. Last evaluated: 2022-10-25. Review status: criteria provided, single submitter. Criteria: Ambry Variant Classification Scheme 2023. Collection method: clinical testing. Allele origin: germline.

NM_018718.3(CEP41):c.1033G>T (p.Ala345Ser)

Gene: CEP41 (centrosomal protein 41; minus strand). Cytogenetic location: 7q32.2.
Variant type: single nucleotide variant.
Coding change: c.1033G>T on transcript NM_018718.3 (MANE Select); coding-DNA position 1033, G replaced by T.
Protein change: p.Ala345Ser; replaces alanine 345 with serine.
Molecular consequence: missense variant. On other transcripts: non-coding transcript variant (1).
Genome position (GRCh38, 1-based): chr7:130,398,980, C>A on the plus strand (G>T on the coding strand, the complement: CEP41 is on the minus strand). VCF-style: chr7-130398980-C-A. GRCh37 (hg19) VCF-style: chr7-130038821-C-A.
Other names: c.1033G>T (NM_018718.1); c.817G>T, p.Ala273Ser (NM_001257158.2); c.769G>T, p.Ala257Ser (NM_001257159.2); short protein forms A257S, A345S, A273S.
Identifiers: ClinVar variation 950540 (VCV000950540.10), dbSNP rs184146463, ClinGen allele CA4485403.